The following is an entry in ClinVar:

NM_004859.4(CLTC):c.4138A>C (p.Asn1380His)

Genes: CLTC (clathrin heavy chain; plus strand), LOC126862609 (CDK7 strongly-dependent group 2 enhancer GRCh37_chr17:57760547-57761746; plus strand). Cytogenetic location: 17q23.1.
Variant type: single nucleotide variant.
Coding change: c.4138A>C on transcript NM_004859.4 (MANE Select); coding-DNA position 4138, A replaced by C.
Protein change: p.Asn1380His; replaces asparagine 1380 with histidine.
Molecular consequence: missense variant.
Genome position (GRCh38, 1-based): chr17:59,683,483, A>C. VCF-style: chr17-59683483-A-C. GRCh37 (hg19) VCF-style: chr17-57760844-A-C.
Other names: c.4150A>C, p.Asn1384His (NM_001288653.2); short protein forms N1380H, N1384H.
Identifiers: ClinVar variation 1389511 (VCV001389511.6), dbSNP rs2143596017, ClinGen allele CA400420651.

ClinVar aggregate classification (germline): Uncertain significance (1 of 4 stars; one submission).

Submission:

Labcorp Genetics (formerly Invitae), Labcorp
Classification: Uncertain significance. Last evaluated: 2022-07-19. Review status: criteria provided, single submitter. Criteria: Invitae Variant Classification Sherloc (09022015). Collection method: clinical testing. Allele origin: germline.
Comment: In summary, the available evidence is currently insufficient to determine the role of this variant in disease. Therefore, it has been classified as a Variant of Uncertain Significance. Algorithms developed to predict the effect of missense changes on protein structure and function are either unavailable or do not agree on the potential impact of this missense change (SIFT: "Tolerated"; PolyPhen-2: "Not Available"; Align-GVGD: "Class C0"). ClinVar contains an entry for this variant (Variation ID: 1389511). This variant has not been reported in the literature in individuals affected with CLTC-related conditions. This variant is not present in population databases (gnomAD no frequency). This sequence change replaces asparagine, which is neutral and polar, with histidine, which is basic and polar, at codon 1384 of the CLTC protein (p.Asn1384His).